The following is an entry in ClinVar:

NM_001042492.3(NF1):c.3651dup (p.Gln1218fs)

Gene: NF1 (neurofibromin 1; plus strand). Cytogenetic location: 17q11.2.
Variant type: Duplication.
Coding change: c.3651dup on transcript NM_001042492.3 (MANE Select); coding-DNA position 3651, one base duplicated (T; older notation c.3651dupT).
Protein change: p.Gln1218fs; shifts the reading frame from glutamine 1218.
Molecular consequence: frameshift variant.
Genome position (GRCh38, 1-based): chr17:31,233,156, T duplicated. VCF-style (leftmost placement, unchanged base first): chr17-31233155-A-AT. GRCh37 (hg19) VCF-style: chr17-29560173-A-AT.
Other names: c.3651dup, p.Gln1218fs (NM_000267.4); short protein forms Q1218fs.
Identifiers: ClinVar variation 4876088 (VCV004876088.1).

ClinVar aggregate classification (germline): Pathogenic (1 of 4 stars; one submission).

Conditions:
Neurofibromatosis, type 1 (NF1). Also called: VON RECKLINGHAUSEN DISEASE; NEUROFIBROMATOSIS, TYPE I, SOMATIC; Peripheral type neurofibromatosis; Neurofibromatosis, type I. Identifiers: Orphanet 636, MedGen C0027831, MONDO:0018975, OMIM 162200. Disease mechanism: loss of function.

Submission:

Myriad Genetics, Inc.
Classification: Pathogenic for Neurofibromatosis, type 1. Last evaluated: 2026-06-10. Review status: criteria provided, single submitter. Criteria: Myriad Autosomal Dominant, Autosomal Recessive and X-Linked Classification Criteria (2023). Collection method: clinical testing. Allele origin: unknown.
Comment: This variant is considered pathogenic. This variant creates a frameshift predicted to result in premature protein truncation.